The following is an entry in ClinVar:

ClinVar aggregate classification (germline): Likely benign (0 of 4 stars; one submission).

Conditions:
CD36-related disorder. Also called: CD36-related disorders; CD36-related condition.

Allele frequency attached by ClinVar (database versions not stated): gnomAD 0.00001; TOPMed 0.00001; gnomAD exomes 0.00007; 1000 Genomes Project 30x 0.00016; ExAC 0.00018; 1000 Genomes Project 0.00020.
gnomAD v4.1: 78 of 1,294,828 alleles (0.006%); highest among the groups gnomAD compares: South Asian, 0.085%; 1 homozygote.

Submission:

PreventionGenetics, part of Exact Sciences
Classification: Likely benign for CD36-related condition. Last evaluated: 2022-04-27. Review status: no assertion criteria provided. Collection method: clinical testing. Allele origin: germline.
Comment: This variant is classified as likely benign based on ACMG/AMP sequence variant interpretation guidelines (Richards et al. 2015 PMID: 25741868, with internal and published modifications).

NM_001001548.3(CD36):c.1200-8T>C

Gene: CD36 (CD36 molecule (CD36 blood group); plus strand). Cytogenetic location: 7q21.11.
Variant type: single nucleotide variant.
Coding change: c.1200-8T>C on transcript NM_001001548.3 (MANE Select); 8 bases into the intron before coding-DNA position 1200, T replaced by C.
Molecular consequence: intron variant.
Genome position (GRCh38, 1-based): chr7:80,673,347, T>C. VCF-style: chr7-80673347-T-C. GRCh37 (hg19) VCF-style: chr7-80302663-T-C.
Other names: c.1200-8T>C (NM_001371075.1, NM_001001547.3, NM_001371074.1 and 5 more transcripts); c.735-8T>C (NM_001371081.1, NM_001371080.1); c.972-8T>C (NM_001289911.2); c.1098-8T>C (NM_001371079.1); c.1020-8T>C (NM_001289909.1); c.1083-8T>C (NM_001289908.1).
Identifiers: ClinVar variation 3058539 (VCV003058539.2), dbSNP rs573095838, ClinGen allele CA4315718.
Genomic context (GRCh38, chr7:80,673,347, plus strand): 5'-TATTTTAAAGTTTGTTATATATAAATATTAGTTTATATGTTCATAATTATTTTCAACGTA[T>C]ATTACAGAGTATTAAAGAATCTGAAGAGGAACTATATTGTGCCTATTCTTTGGCTTAATG-3'